The following is an entry in ClinVar:

ClinVar aggregate classification (germline): Likely pathogenic (1 of 4 stars; one submission).

Conditions:
KBG syndrome (KBGS). Also called: ANKRD11-Related KBG Syndrome. Identifiers: Orphanet 2332, MedGen C0220687, MONDO:0007846, OMIM 148050.

Submission:

Molecular Genetics Department, Kulakov National Medical Research Center for Obstetrics, Gynecology and Perinatology
Classification: Likely pathogenic for KBG syndrome. Review status: criteria provided, single submitter. Criteria: ACMG Guidelines, 2015. Collection method: clinical testing. Allele origin: germline. Affected: yes.
Comment: A previously undescribed nucleotide variant creates a frameshift p.Ile721AsnfsTer21 in the ANKRD11 gene. Loss-of-function variants are reported in patients with KBG syndrome, 148050. The variant is not present in population database (gnomAD no frequency). In summary, the currently available evidence indicates that the variant is pathogenic, but additional data are needed to prove that conclusively. Therefore, this variant has been classified as likely pathogenic.

NM_013275.6(ANKRD11):c.2161dup (p.Ile721fs)

Gene: ANKRD11 (ankyrin repeat domain 11; minus strand). Cytogenetic location: 16q24.3.
Variant type: Duplication.
Coding change: c.2161dup on transcript NM_013275.6 (MANE Select); coding-DNA position 2161, one base duplicated (A; older notation c.2161dupA).
Protein change: p.Ile721fs; shifts the reading frame from isoleucine 721.
Molecular consequence: frameshift variant.
Genome position (GRCh38, 1-based): chr16:89,284,381, T duplicated on the plus strand (A on the coding strand, the reverse complement: ANKRD11 is on the minus strand); the first of 2 consecutive T bases (chr16:89,284,381-89,284,382); duplicating either gives the same sequence. VCF-style (leftmost placement, unchanged base first): chr16-89284380-A-AT. GRCh37 (hg19) VCF-style: chr16-89350788-A-AT.
Other names: c.2161dup, p.Ile721fs (NM_001256182.2, NM_001256183.2); short protein forms I721fs.
Identifiers: ClinVar variation 3062321 (VCV003062321.1), dbSNP rs2544242340, ClinGen allele CA2740095159.
Genomic context (GRCh38, chr16:89,284,380, plus strand): 5'-TTATTCGAACGGTCTTTCTCTTCTCGGAAAGACCTGCTGATGTCTTTGTTTGTGTCTTTG[A>AT]TTCTCTTCAGTGATTTTTCATCTTTAAAGAGCCATTCTTTTTCTTCTAATTTCATTTTGC-3'